The following is an entry in ClinVar:

ClinVar aggregate classification (germline): Uncertain significance. Review status: criteria provided, multiple submitters, no conflicts (2 of 4 stars). 2 submissions from 2 submitters: Uncertain significance (2). Last evaluated 2024-07-27.

Conditions:
Inborn genetic diseases. Identifiers: MedGen C0950123, MeSH D030342.

Allele frequency attached by ClinVar (database versions not stated): gnomAD exomes 0.00001.
gnomAD v4.1: 12 of 1,613,370 alleles (0.00074%); highest among the groups gnomAD compares: South Asian, 0.011%; 1 homozygote.

Submissions (2):

Ambry Genetics
Classification: Uncertain significance for Inborn genetic diseases. Last evaluated: 2024-07-27. Review status: criteria provided, single submitter. Criteria: Ambry Variant Classification Scheme 2023. Collection method: clinical testing. Allele origin: germline.

Labcorp Genetics (formerly Invitae), Labcorp
Classification: Uncertain significance. Last evaluated: 2022-04-20. Review status: criteria provided, single submitter. Criteria: Invitae Variant Classification Sherloc (09022015). Collection method: clinical testing. Allele origin: germline.
Comment: This sequence change replaces lysine, which is basic and polar, with glutamic acid, which is acidic and polar, at codon 806 of the VPS13A protein (p.Lys806Glu). This variant is present in population databases (no rsID available, gnomAD 0.003%). This variant has not been reported in the literature in individuals affected with VPS13A-related conditions. Algorithms developed to predict the effect of missense changes on protein structure and function (SIFT, PolyPhen-2, Align-GVGD) all suggest that this variant is likely to be tolerated. In summary, the available evidence is currently insufficient to determine the role of this variant in disease. Therefore, it has been classified as a Variant of Uncertain Significance.

NM_033305.3(VPS13A):c.2416A>G (p.Lys806Glu)

Gene: VPS13A (vacuolar protein sorting 13 homolog A; plus strand). Cytogenetic location: 9q21.2.
Variant type: single nucleotide variant.
Coding change: c.2416A>G on transcript NM_033305.3 (MANE Select); coding-DNA position 2416, A replaced by G.
Protein change: p.Lys806Glu; replaces lysine 806 with glutamic acid.
Molecular consequence: missense variant.
Genome position (GRCh38, 1-based): chr9:77,260,213, A>G. VCF-style: chr9-77260213-A-G. GRCh37 (hg19) VCF-style: chr9-79875129-A-G.
Other names: c.2416A>G, p.Lys806Glu (NM_001018037.2, NM_001018038.3, NM_015186.4); c.2416A>G (NM_033305.2); short protein forms K806E.
Identifiers: ClinVar variation 1949465 (VCV001949465.3), dbSNP rs1296287239, ClinGen allele CA373852552.
Genomic context (GRCh38, chr9:77,260,213, plus strand): 5'-ATGGAATTGATTGAAAGCATTCCAAAACCTGAACCAGTAACTGAAGTATCTGCCCCTGTC[A>G]AATCATTCCAGGTAATGTTACTTTCAAAATTAATATAAGCATGAATTAAGAAAGTCCACA-3'
Protein context (NP_150648.2, residues 796-816): EPVTEVSAPV[Lys806Glu]SFQIQTSTSL